The following is an entry in ClinVar:

NM_001042492.3(NF1):c.2618G>C (p.Arg873Pro)

Gene: NF1 (neurofibromin 1; plus strand). Cytogenetic location: 17q11.2.
Variant type: single nucleotide variant.
Coding change: c.2618G>C on transcript NM_001042492.3 (MANE Select); coding-DNA position 2618, G replaced by C.
Protein change: p.Arg873Pro; replaces arginine 873 with proline.
Molecular consequence: missense variant.
Genome position (GRCh38, 1-based): chr17:31,229,233, G>C. VCF-style: chr17-31229233-G-C. GRCh37 (hg19) VCF-style: chr17-29556251-G-C.
Other names: c.2618G>C, p.Arg873Pro (NM_000267.4); short protein forms R873P.
Identifiers: ClinVar variation 457593 (VCV000457593.16), dbSNP rs949092641, ClinGen allele CA398984499.

ClinVar aggregate classification (germline): Conflicting classifications of pathogenicity. Review status: criteria provided, conflicting classifications (1 of 4 stars). 4 submissions from 4 submitters: Uncertain significance (3); Likely benign (1). Last evaluated 2025-05-05.

Conditions:
Cardiovascular phenotype. Identifiers: MedGen CN230736.
Hereditary cancer-predisposing syndrome. Also called: Hereditary Cancer Syndrome; Hereditary neoplastic syndrome; Tumor predisposition; Neoplastic Syndromes, Hereditary. Identifiers: Orphanet 140162, MedGen C0027672, MeSH D009386, MONDO:0015356.
Neurofibromatosis, type 1 (NF1). Also called: VON RECKLINGHAUSEN DISEASE; NEUROFIBROMATOSIS, TYPE I, SOMATIC; Peripheral type neurofibromatosis; Neurofibromatosis, type I. Identifiers: Orphanet 636, MedGen C0027831, MONDO:0018975, OMIM 162200. Disease mechanism: loss of function.

Submissions (4):

Labcorp Genetics (formerly Invitae), Labcorp
Classification: Likely benign for Neurofibromatosis, type 1. Last evaluated: 2025-05-05. Review status: criteria provided, single submitter. Criteria: Invitae Variant Classification Sherloc (09022015). Collection method: clinical testing. Allele origin: germline.

Genome-Nilou Lab
Classification: Uncertain significance for Neurofibromatosis, type 1. Last evaluated: 2022-03-15. Review status: criteria provided, single submitter. Criteria: ACMG Guidelines, 2015. Collection method: clinical testing. Allele origin: germline. Affected: no.

Centre for Mendelian Genomics, University Medical Centre Ljubljana
Classification: Uncertain significance for Neurofibromatosis, type 1. Last evaluated: 2020-04-02. Review status: criteria provided, single submitter. Criteria: ACMG Guidelines, 2015. Collection method: clinical testing. Allele origin: unknown. Affected: yes.
Comment: This variant was classified as: Uncertain significance. The available evidence on this variant's pathogenicity is insufficient or conflicting. The following ACMG criteria were applied in classifying this variant: PM2,PP3.

Ambry Genetics
Classification: Uncertain significance for Cardiovascular phenotype; Hereditary cancer-predisposing syndrome. Last evaluated: 2019-04-15. Review status: criteria provided, single submitter. Criteria: Ambry Variant Classification Scheme 2023. Collection method: clinical testing. Allele origin: germline.
Comment: The p.R873P variant (also known as c.2618G>C), located in coding exon 21 of the NF1 gene, results from a G to C substitution at nucleotide position 2618. The arginine at codon 873 is replaced by proline, an amino acid with dissimilar properties. This amino acid position is highly conserved in available vertebrate species. In addition, the in silico prediction for this alteration is inconclusive. Since supporting evidence is limited at this time, the clinical significance of this alteration remains unclear.